The following is an entry in ClinVar:

ClinVar aggregate classification (germline): Uncertain significance (1 of 4 stars; one submission).

Conditions:
Glanzmann thrombasthenia. Also called: BLEEDING DISORDER, PLATELET-TYPE, 2; THROMBASTHENIA OF GLANZMANN AND NAEGELI; PLATELET GLYCOPROTEIN IIb-IIIa DEFICIENCY; Thrombasthenia; Glanzmann's thrombasthenia. Identifiers: Orphanet 849, MedGen C0040015, MONDO:0100326.

Submission:

Labcorp Genetics (formerly Invitae), Labcorp
Classification: Uncertain significance for Glanzmann thrombasthenia. Last evaluated: 2022-10-07. Review status: criteria provided, single submitter. Criteria: Invitae Variant Classification Sherloc (09022015). Collection method: clinical testing. Allele origin: germline.
Comment: This sequence change replaces methionine, which is neutral and non-polar, with leucine, which is neutral and non-polar, at codon 520 of the ITGA2B protein (p.Met520Leu). This variant is not present in population databases (gnomAD no frequency). This variant has not been reported in the literature in individuals affected with ITGA2B-related conditions. Advanced modeling of protein sequence and biophysical properties (such as structural, functional, and spatial information, amino acid conservation, physicochemical variation, residue mobility, and thermodynamic stability) performed at Invitae indicates that this missense variant is not expected to disrupt ITGA2B protein function. In summary, the available evidence is currently insufficient to determine the role of this variant in disease. Therefore, it has been classified as a Variant of Uncertain Significance.

NM_000419.5(ITGA2B):c.1558A>T (p.Met520Leu)

Gene: ITGA2B (integrin subunit alpha 2b; minus strand). Cytogenetic location: 17q21.31.
Variant type: single nucleotide variant.
Coding change: c.1558A>T on transcript NM_000419.5 (MANE Select); coding-DNA position 1558, A replaced by T.
Protein change: p.Met520Leu; replaces methionine 520 with leucine.
Molecular consequence: missense variant.
Genome position (GRCh38, 1-based): chr17:44,380,288, T>A on the plus strand (A>T on the coding strand, the complement: ITGA2B is on the minus strand). VCF-style: chr17-44380288-T-A. GRCh37 (hg19) VCF-style: chr17-42457656-T-A.
Other names: short protein forms M520L.
Identifiers: ClinVar variation 2422008 (VCV002422008.8), dbSNP rs762055902, ClinGen allele CA399802550.